The following is an entry in ClinVar:

ClinVar aggregate classification (germline): Uncertain significance. Review status: criteria provided, multiple submitters, no conflicts (2 of 4 stars). 2 submissions from 2 submitters: Uncertain significance (2). Last evaluated 2024-01-02.

Conditions:
Cardiovascular phenotype. Identifiers: MedGen CN230736.
Hereditary cancer-predisposing syndrome. Also called: Neoplastic Syndromes, Hereditary; Tumor predisposition; Hereditary Cancer Syndrome; Hereditary neoplastic syndrome. Identifiers: Orphanet 140162, MedGen C0027672, MeSH D009386, MONDO:0015356.

Allele frequency attached by ClinVar (database versions not stated): gnomAD exomes below 0.00001.
gnomAD v4.1: 3 of 1,600,856 alleles (0.00019%); highest among the groups gnomAD compares: East Asian, 0.0022%; no homozygotes.

Submissions (2):

Labcorp Genetics (formerly Invitae), Labcorp
Classification: Uncertain significance. Last evaluated: 2024-01-02. Review status: criteria provided, single submitter. Criteria: Invitae Variant Classification Sherloc (09022015). Collection method: clinical testing. Allele origin: germline.
Comment: This sequence change affects codon 523 of the LZTR1 mRNA. It is a 'silent' change, meaning that it does not change the encoded amino acid sequence of the LZTR1 protein. This variant is not present in population databases (gnomAD no frequency). This variant has not been reported in the literature in individuals affected with LZTR1-related conditions. ClinVar contains an entry for this variant (Variation ID: 1775447). Algorithms developed to predict the effect of sequence changes on RNA splicing suggest that this variant may create or strengthen a splice site. In summary, the available evidence is currently insufficient to determine the role of this variant in disease. Therefore, it has been classified as a Variant of Uncertain Significance.

Ambry Genetics
Classification: Uncertain significance for Cardiovascular phenotype; Hereditary cancer-predisposing syndrome. Last evaluated: 2023-06-29. Review status: criteria provided, single submitter. Criteria: Ambry Variant Classification Scheme 2023. Collection method: clinical testing. Allele origin: germline.
Comment: The c.1569G>A variant (also known as p.V523V) is located in coding exon 14 of the LZTR1 gene. This variant results from a G to A substitution at nucleotide position 1569. This nucleotide substitution does not change the valine at codon 523. This nucleotide position is not well conserved in available vertebrate species. In silico splice site analysis predicts that this alteration will result in the creation or strengthening of a novel splice donor site; however, direct evidence is insufficient at this time (Ambry internal data). Since supporting evidence is limited at this time, the clinical significance of this alteration remains unclear.

NM_006767.4(LZTR1):c.1569G>A (p.Val523=)

Gene: LZTR1 (leucine zipper like post translational regulator 1; plus strand). Cytogenetic location: 22q11.21.
Variant type: single nucleotide variant.
Coding change: c.1569G>A on transcript NM_006767.4 (MANE Select); coding-DNA position 1569, G replaced by A.
Protein change: p.Val523=; no amino-acid change (valine 523 retained).
Molecular consequence: synonymous variant.
Genome position (GRCh38, 1-based): chr22:20,994,223, G>A. VCF-style: chr22-20994223-G-A. GRCh37 (hg19) VCF-style: chr22-21348512-G-A.
Identifiers: ClinVar variation 1775447 (VCV001775447.7), dbSNP rs1601721387, ClinGen allele CA513699283.